The following is an entry in ClinVar:

ClinVar aggregate classification (germline): Benign/Likely benign. Review status: criteria provided, multiple submitters, no conflicts (2 of 4 stars). 4 submissions from 4 submitters: Benign (2); Likely benign (2). Last evaluated 2021-07-22.

Conditions:
Familial infantile myasthenia (CMS6). Also called: MYASTHENIC SYNDROME, PRESYNAPTIC, CONGENITAL, ASSOCIATED WITH EPISODIC APNEA; MYASTHENIC SYNDROME, CONGENITAL, 6, PRESYNAPTIC; Congenital myasthenic syndrome type 6. Identifiers: Orphanet 590, MedGen C0393929, MONDO:0009689, OMIM 254210.

Allele frequency attached by ClinVar (database versions not stated): 1000 Genomes Project 30x 0.96299; ESP Exome Variant Server 0.97194; gnomAD 0.97479 and 0.97543; TOPMed 0.97280; ExAC 0.98609; gnomAD exomes 0.99219 and 0.98728; 1000 Genomes Project 0.96625.

Submissions (4):

Genome-Nilou Lab
Classification: Benign for Familial infantile myasthenia. Last evaluated: 2021-07-22. Review status: criteria provided, single submitter. Criteria: ACMG Guidelines, 2015. Collection method: clinical testing. Allele origin: germline. Affected: no.

GeneDx
Classification: Benign. Last evaluated: 2018-06-16. Review status: criteria provided, single submitter. Criteria: GeneDx Variant Classification (06012015). Collection method: clinical testing. Allele origin: germline. Affected: yes.
Comment: This variant is considered likely benign or benign based on one or more of the following criteria: it is a conservative change, it occurs at a poorly conserved position in the protein, it is predicted to be benign by multiple in silico algorithms, and/or has population frequency not consistent with disease.

Breakthrough Genomics
Classification: Likely benign. Review status: criteria provided, single submitter. Criteria: ACMG Guidelines, 2015. Collection method: not provided. Allele origin: germline. Inheritance: Autosomal recessive inheritance. Affected: yes.

PreventionGenetics, part of Exact Sciences
Classification: Likely benign. Review status: criteria provided, single submitter. Criteria: ACMG Guidelines, 2015. Collection method: clinical testing. Allele origin: germline.

NM_020549.5(CHAT):c.580-35G>A

Gene: CHAT (choline O-acetyltransferase; plus strand). Cytogenetic location: 10q11.23.
Variant type: single nucleotide variant.
Coding change: c.580-35G>A on transcript NM_020549.5 (MANE Select); 35 bases into the intron before coding-DNA position 580, G replaced by A.
Molecular consequence: intron variant.
Genome position (GRCh38, 1-based): chr10:49,620,460, G>A. VCF-style: chr10-49620460-G-A. GRCh37 (hg19) VCF-style: chr10-50828506-G-A.
Other names: c.226-35G>A (NM_020984.4, NM_020985.4, NM_020986.4 and 2 more transcripts); c.334-35G>A (NM_001142933.2).
Identifiers: ClinVar variation 261337 (VCV000261337.6), dbSNP rs1880677, ClinGen allele CA5497189.
Genomic context (GRCh38, chr10:49,620,460, plus strand): 5'-TTAATGCTCTGGTGAAGTGTCCCGATTTTCTCTCGGGGCTGTCAGGATGGGACTGTTTGG[G>A]GGGATGTGACGGCCTTCCCTGCCCTCCCCGGCAGGTGTCTGAGTACTGGCTGAATGACAT-3'